The following is an entry in ClinVar:

ClinVar aggregate classification (germline): Likely benign (1 of 4 stars; one submission).

Conditions:
PLXNA1-related disorder. Also called: PLXNA1-related condition.

gnomAD v4.1: 1 of 1,613,098 alleles (0.000062%); no homozygotes.

Submission:

PreventionGenetics, part of Exact Sciences
Classification: Likely benign for PLXNA1-related condition. Last evaluated: 2025-10-21. Review status: criteria provided, single submitter. Criteria: ACMG Guidelines, 2015. Collection method: clinical testing. Allele origin: germline.
Comment: This variant is classified as likely benign based on ACMG/AMP sequence variant interpretation guidelines (Richards et al. 2015 PMID: 25741868, with internal and published modifications).

NM_032242.4(PLXNA1):c.1053A>T (p.Pro351=)

Gene: PLXNA1 (plexin A1; plus strand). Cytogenetic location: 3q21.3.
Variant type: single nucleotide variant.
Coding change: c.1053A>T on transcript NM_032242.4 (MANE Select); coding-DNA position 1053, A replaced by T.
Protein change: p.Pro351=; no amino-acid change (proline 351 retained).
Molecular consequence: synonymous variant.
Genome position (GRCh38, 1-based): chr3:126,989,646, A>T. VCF-style: chr3-126989646-A-T. GRCh37 (hg19) VCF-style: chr3-126708489-A-T.
Identifiers: ClinVar variation 4996579 (VCV004996579.1).